The following is an entry in ClinVar:

ClinVar aggregate classification (germline): Likely benign. Review status: criteria provided, multiple submitters, no conflicts (2 of 4 stars). 5 submissions from 5 submitters: Likely benign (5). Last evaluated 2026-03-10.

Conditions:
Cardiovascular phenotype. Identifiers: MedGen CN230736.

Allele frequency attached by ClinVar (database versions not stated): TOPMed 0.00003.
gnomAD v4.1: 44 of 1,515,538 alleles (0.0029%); highest among the groups gnomAD compares: Non-Finnish European, 0.0037%; no homozygotes.

Submissions (5):

Women's Health and Genetics/Laboratory Corporation of America, LabCorp
Classification: Likely benign. Last evaluated: 2026-03-10. Review status: criteria provided, single submitter. Criteria: LabCorp Variant Classification Summary - May 2015. Collection method: clinical testing. Allele origin: germline.

Labcorp Genetics (formerly Invitae), Labcorp
Classification: Likely benign. Last evaluated: 2026-02-01. Review status: criteria provided, single submitter. Criteria: Invitae Variant Classification Sherloc (09022015). Collection method: clinical testing. Allele origin: germline.

CeGaT Center for Human Genetics Tuebingen
Classification: Likely benign. Last evaluated: 2025-06-01. Review status: criteria provided, single submitter. Criteria: CeGaT Center For Human Genetics Tuebingen Variant Classification Criteria Version 2. Collection method: clinical testing. Allele origin: germline. Affected: yes. Observed: 1 variant allele.
Comment: ZNF469: BP4, BP7

Ambry Genetics
Classification: Likely benign for Cardiovascular phenotype. Last evaluated: 2022-04-09. Review status: criteria provided, single submitter. Criteria: Ambry Variant Classification Scheme 2023. Collection method: clinical testing. Allele origin: germline.

GeneDx
Classification: Likely benign. Last evaluated: 2019-01-15. Review status: criteria provided, single submitter. Criteria: GeneDx Variant Classification Process June 2021. Collection method: clinical testing. Allele origin: germline. Affected: yes.

NM_001367624.2(ZNF469):c.9516C>G (p.Ala3172=)

Gene: ZNF469 (zinc finger protein 469; plus strand). Cytogenetic location: 16q24.2.
Variant type: single nucleotide variant.
Coding change: c.9516C>G on transcript NM_001367624.2 (MANE Select); coding-DNA position 9516, C replaced by G.
Protein change: p.Ala3172=; no amino-acid change (alanine 3172 retained).
Molecular consequence: synonymous variant.
Genome position (GRCh38, 1-based): chr16:88,436,986, C>G. VCF-style: chr16-88436986-C-G. GRCh37 (hg19) VCF-style: chr16-88503394-C-G.
Other names: NM_001127464.1:c.9432C>G.
Identifiers: ClinVar variation 511988 (VCV000511988.22), dbSNP rs577913880, ClinGen allele CA286385526.